The following is an entry in ClinVar:

NM_172107.4(KCNQ2):c.1302-6G>C

Gene: KCNQ2 (potassium voltage-gated channel subfamily Q member 2; minus strand). Cytogenetic location: 20q13.33.
Variant type: single nucleotide variant.
Coding change: c.1302-6G>C on transcript NM_172107.4 (MANE Select); 6 bases into the intron before coding-DNA position 1302, G replaced by C.
Molecular consequence: intron variant.
Genome position (GRCh38, 1-based): chr20:63,415,132, C>G on the plus strand (G>C on the coding strand, the complement: KCNQ2 is on the minus strand). VCF-style: chr20-63415132-C-G. GRCh37 (hg19) VCF-style: chr20-62046485-C-G.
Other names: c.1218-6G>C (NM_004518.6); c.1248-42G>C (NM_172108.5); c.1248-6G>C (NM_172106.3, NM_001382235.1).
Identifiers: ClinVar variation 2848683 (VCV002848683.3), dbSNP rs753053286, ClinGen allele CA2739277259.

ClinVar aggregate classification (germline): Uncertain significance (1 of 4 stars; one submission).

Conditions:
Early-infantile DEE. Also called: Early infantile epileptic encephalopathy; Early infantile epileptic encephalopathy with suppression bursts; Ohtahara syndrome. Identifiers: Orphanet 1934, MedGen C0393706, MONDO:0800491.

Submission:

Labcorp Genetics (formerly Invitae), Labcorp
Classification: Uncertain significance for Early-infantile DEE. Last evaluated: 2024-05-29. Review status: criteria provided, single submitter. Criteria: Invitae Variant Classification Sherloc (09022015). Collection method: clinical testing. Allele origin: germline.
Comment: This sequence change falls in intron 12 of the KCNQ2 gene. It does not directly change the encoded amino acid sequence of the KCNQ2 protein. This variant is not present in population databases (gnomAD no frequency). This variant has not been reported in the literature in individuals affected with KCNQ2-related conditions. Algorithms developed to predict the effect of sequence changes on RNA splicing suggest that this variant may create or strengthen a splice site. In summary, the available evidence is currently insufficient to determine the role of this variant in disease. Therefore, it has been classified as a Variant of Uncertain Significance.